The following is an entry in ClinVar:

NM_005751.5(AKAP9):c.7789T>G (p.Leu2597Val)

Gene: AKAP9 (A-kinase anchoring protein 9; plus strand). Cytogenetic location: 7q21.2.
Variant type: single nucleotide variant.
Coding change: c.7789T>G on transcript NM_005751.5 (MANE Select); coding-DNA position 7789, T replaced by G.
Protein change: p.Leu2597Val; replaces leucine 2597 with valine.
Molecular consequence: missense variant.
Genome position (GRCh38, 1-based): chr7:92,079,922, T>G. VCF-style: chr7-92079922-T-G. GRCh37 (hg19) VCF-style: chr7-91709236-T-G.
Other names: c.7765T>G, p.Leu2589Val (NM_147185.3); c.2434T>G, p.Leu812Val (NM_001379277.1); short protein forms L812V, L2589V, L2597V.
Identifiers: ClinVar variation 2626303 (VCV002626303.2), dbSNP rs2535247216, ClinGen allele CA368136520.

ClinVar aggregate classification (germline): Uncertain significance (1 of 4 stars; one submission).

Conditions:
Cardiovascular phenotype. Identifiers: MedGen CN230736.

Allele frequency attached by ClinVar (database versions not stated): gnomAD exomes below 0.00001.
gnomAD v4.1: 1 of 1,613,432 alleles (0.000062%); highest among the groups gnomAD compares: Non-Finnish European, 0.000085%; no homozygotes.

Submission:

Ambry Genetics
Classification: Uncertain significance for Cardiovascular phenotype. Last evaluated: 2023-09-06. Review status: criteria provided, single submitter. Criteria: Ambry Variant Classification Scheme 2023. Collection method: clinical testing. Allele origin: germline.
Comment: The p.L2597V variant (also known as c.7789T>G), located in coding exon 31 of the AKAP9 gene, results from a T to G substitution at nucleotide position 7789. The leucine at codon 2597 is replaced by valine, an amino acid with highly similar properties. This amino acid position is conserved. In addition, this alteration is predicted to be tolerated by in silico analysis. Since supporting evidence is limited at this time, the clinical significance of this alteration remains unclear.